The following is an entry in ClinVar:

NM_001089.3(ABCA3):c.1218C>G (p.Cys406Trp)

Gene: ABCA3 (ATP binding cassette subfamily A member 3; minus strand). Cytogenetic location: 16p13.3.
Variant type: single nucleotide variant.
Coding change: c.1218C>G on transcript NM_001089.3 (MANE Select); coding-DNA position 1218, C replaced by G.
Protein change: p.Cys406Trp; replaces cysteine 406 with tryptophan.
Molecular consequence: missense variant.
Genome position (GRCh38, 1-based): chr16:2,308,517, G>C on the plus strand (C>G on the coding strand, the complement: ABCA3 is on the minus strand). VCF-style: chr16-2308517-G-C. GRCh37 (hg19) VCF-style: chr16-2358518-G-C.
Other names: short protein forms C406W.
Identifiers: ClinVar variation 2112705 (VCV002112705.4), dbSNP rs779091004, ClinGen allele CA7841328.
Genomic context (GRCh38, chr16:2,308,517, plus strand): 5'-CTCAAATTTCCCAATGAGCTGGGCTCCCATTGCCATGGCGACATTAGACAGGAGGCAGGA[G>C]CAGAGCTTCTGGCTCAGAGTCATCCAGTTGTACCGAGGGGCCACGAAGAAGTAGGGGATG-3'
Protein context (NP_001080.2, residues 396-416): YNWMTLSQKL[Cys406Trp]SCLLSNVAMA

ClinVar aggregate classification (germline): Uncertain significance (1 of 4 stars; one submission).

gnomAD v4.1: 4 of 1,614,136 alleles (0.00025%); highest among the groups gnomAD compares: Non-Finnish European, 0.00034%; no homozygotes.

Submission:

Labcorp Genetics (formerly Invitae), Labcorp
Classification: Uncertain significance. Last evaluated: 2022-06-12. Review status: criteria provided, single submitter. Criteria: Invitae Variant Classification Sherloc (09022015). Collection method: clinical testing. Allele origin: germline.
Comment: In summary, the available evidence is currently insufficient to determine the role of this variant in disease. Therefore, it has been classified as a Variant of Uncertain Significance. Algorithms developed to predict the effect of missense changes on protein structure and function (SIFT, PolyPhen-2, Align-GVGD) all suggest that this variant is likely to be tolerated. This variant has not been reported in the literature in individuals affected with ABCA3-related conditions. This variant is present in population databases (rs779091004, gnomAD 0.0009%). This sequence change replaces cysteine, which is neutral and slightly polar, with tryptophan, which is neutral and slightly polar, at codon 406 of the ABCA3 protein (p.Cys406Trp).